The following is an entry in ClinVar:

ClinVar aggregate classification (germline): Uncertain significance (1 of 4 stars; one submission).

Conditions:
Marfan syndrome (MFS). Also called: MARFAN SYNDROME, TYPE I; Marfan syndrome type 1; Marfan's syndrome; Marfan syndrome, classic; FBN1-Related Marfan Syndrome. Identifiers: Orphanet 284963, Orphanet 558, MedGen C0024796, MONDO:0007947, OMIM 154700.
Familial thoracic aortic aneurysm and aortic dissection (TAAD). Also called: Thoracic aortic aneurysms and dissections. Identifiers: Orphanet 91387, MedGen C4707243, MONDO:0019625.

Submission:

Labcorp Genetics (formerly Invitae), Labcorp
Classification: Uncertain significance for Marfan syndrome; Familial thoracic aortic aneurysm and aortic dissection. Last evaluated: 2024-12-23. Review status: criteria provided, single submitter. Criteria: Invitae Variant Classification Sherloc (09022015). Collection method: clinical testing. Allele origin: germline.
Comment: This sequence change replaces proline, which is neutral and non-polar, with serine, which is neutral and polar, at codon 2373 of the FBN1 protein (p.Pro2373Ser). This variant is not present in population databases (gnomAD no frequency). This variant has not been reported in the literature in individuals affected with FBN1-related conditions. ClinVar contains an entry for this variant (Variation ID: 2928617). Invitae Evidence Modeling of protein sequence and biophysical properties (such as structural, functional, and spatial information, amino acid conservation, physicochemical variation, residue mobility, and thermodynamic stability) indicates that this missense variant is not expected to disrupt FBN1 protein function with a negative predictive value of 95%. In summary, the available evidence is currently insufficient to determine the role of this variant in disease. Therefore, it has been classified as a Variant of Uncertain Significance.

NM_000138.5(FBN1):c.7117C>T (p.Pro2373Ser)

Gene: FBN1 (fibrillin 1; minus strand). Cytogenetic location: 15q21.1.
Variant type: single nucleotide variant.
Coding change: c.7117C>T on transcript NM_000138.5 (MANE Select); coding-DNA position 7117, C replaced by T.
Protein change: p.Pro2373Ser; replaces proline 2373 with serine.
Molecular consequence: missense variant.
Genome position (GRCh38, 1-based): chr15:48,427,654, G>A on the plus strand (C>T on the coding strand, the complement: FBN1 is on the minus strand). VCF-style: chr15-48427654-G-A. GRCh37 (hg19) VCF-style: chr15-48719851-G-A.
Other names: c.7117C>T, p.Pro2373Ser (NM_001406716.1); short protein forms P2373S.
Identifiers: ClinVar variation 2928617 (VCV002928617.3), dbSNP rs2505412288, ClinGen allele CA392329680.